The following is an entry in ClinVar:

NM_006891.4(CRYGD):c.19T>C (p.Tyr7His)

Genes: CRYGD (crystallin gamma D; minus strand), LOC100507443 (uncharacterized LOC100507443; plus strand). Cytogenetic location: 2q33.3.
Variant type: single nucleotide variant.
Coding change: c.19T>C on transcript NM_006891.4 (MANE Select); coding-DNA position 19, T replaced by C.
Protein change: p.Tyr7His; replaces tyrosine 7 with histidine.
Molecular consequence: missense variant.
Genome position (GRCh38, 1-based): chr2:208,124,345, A>G on the plus strand (T>C on the coding strand, the complement: CRYGD is on the minus strand). VCF-style: chr2-208124345-A-G. GRCh37 (hg19) VCF-style: chr2-208989069-A-G.
Other names: short protein forms Y7H.
Identifiers: ClinVar variation 3045051 (VCV003045051.2), dbSNP rs762443764, ClinGen allele CA2077752.

ClinVar aggregate classification (germline): Likely benign (0 of 4 stars; one submission).

Conditions:
CRYGD-related disorder. Also called: CRYGD-related condition.

Allele frequency attached by ClinVar (database versions not stated): gnomAD 0.00001; gnomAD exomes 0.00001; TOPMed 0.00002; ExAC 0.00005.
gnomAD v4.1: 17 of 1,611,374 alleles (0.0011%); highest among the groups gnomAD compares: East Asian, 0.036%; no homozygotes.

Submission:

PreventionGenetics, part of Exact Sciences
Classification: Likely benign for CRYGD-related condition. Last evaluated: 2024-01-11. Review status: no assertion criteria provided. Collection method: clinical testing. Allele origin: germline.
Comment: This variant is classified as likely benign based on ACMG/AMP sequence variant interpretation guidelines (Richards et al. 2015 PMID: 25741868, with internal and published modifications).